The following is an entry in ClinVar:

ClinVar aggregate classification (germline): Likely pathogenic (1 of 4 stars; one submission).

gnomAD v4.1: 1 of 1,608,276 alleles (0.000062%); no homozygotes.

Submission:

CeGaT Center for Human Genetics Tuebingen
Classification: Likely pathogenic. Last evaluated: 2023-04-01. Review status: criteria provided, single submitter. Criteria: CeGaT Center For Human Genetics Tuebingen Variant Classification Criteria Version 2. Collection method: clinical testing. Allele origin: germline. Affected: yes. Observed: 2 variant alleles.
Comment: CWF19L1: PVS1:Strong, PM2, PM3

NM_018294.6(CWF19L1):c.1381C>T (p.Gln461Ter)

Gene: CWF19L1 (CWF19 like cell cycle control factor 1; minus strand). Cytogenetic location: 10q24.31.
Variant type: single nucleotide variant.
Coding change: c.1381C>T on transcript NM_018294.6 (MANE Select); coding-DNA position 1381, C replaced by T.
Protein change: p.Gln461Ter; replaces glutamine 461 with a stop codon.
Molecular consequence: nonsense.
Genome position (GRCh38, 1-based): chr10:100,235,758, G>A on the plus strand (C>T on the coding strand, the complement: CWF19L1 is on the minus strand). VCF-style: chr10-100235758-G-A. GRCh37 (hg19) VCF-style: chr10-101995515-G-A.
Other names: c.1261C>T, p.Gln421Ter (NM_001303404.2); c.970C>T, p.Gln324Ter (NM_001303405.2, NM_001303406.2); c.646C>T, p.Gln216Ter (NM_001303407.2); short protein forms Q216*, Q324*, Q421*, Q461*.
Identifiers: ClinVar variation 1675428 (VCV001675428.33), dbSNP rs2134272638, ClinGen allele CA378160129.